The following is an entry in ClinVar:

NM_015512.5(DNAH1):c.6309C>T (p.Ile2103=)

Gene: DNAH1 (dynein axonemal heavy chain 1; plus strand). Cytogenetic location: 3p21.1.
Variant type: single nucleotide variant.
Coding change: c.6309C>T on transcript NM_015512.5 (MANE Select); coding-DNA position 6309, C replaced by T.
Protein change: p.Ile2103=; no amino-acid change (isoleucine 2103 retained).
Molecular consequence: synonymous variant.
Genome position (GRCh38, 1-based): chr3:52,370,527, C>T. VCF-style: chr3-52370527-C-T. GRCh37 (hg19) VCF-style: chr3-52404543-C-T.
Other names: c.6309C>T (NM_015512.4).
Identifiers: ClinVar variation 2166831 (VCV002166831.6), dbSNP rs374197928, ClinGen allele CA2434485.
Genomic context (GRCh38, chr3:52,370,527, plus strand): 5'-TCATCCCCAGGGCCTCAAGAAAATACCCTCTGAAAAGCTGAGTCGCATCGTAGAGTTGAT[C>T]GAGCCCTGGTTCATCTTCTCCCTGATCTGGAGCGTGGGTGCCACTGGGGACAGCAGTGGC-3'
Protein context (NP_056327.4, residues 2093-2113): SEKLSRIVEL[Ile2103=]EPWFIFSLIW

ClinVar aggregate classification (germline): Likely benign. Review status: criteria provided, multiple submitters, no conflicts (2 of 4 stars). 3 submissions from 3 submitters: Likely benign (3). Last evaluated 2026-07-20.

Conditions:
DNAH1-related disorder. Also called: DNAH1-related condition.
Ciliary dyskinesia, primary, 37 (CILD37). Also called: CILIARY DYSKINESIA, PRIMARY, 37, WITH OR WITHOUT SITUS INVERSUS. Identifiers: MedGen C4539798, MONDO:0033204, OMIM 617577.
Spermatogenic failure 18. Identifiers: MedGen C4539783, MONDO:0054615, OMIM 617576.

Allele frequency attached by ClinVar (database versions not stated): ExAC 0.00002; gnomAD 0.00003; TOPMed 0.00005; ESP Exome Variant Server 0.00008.
gnomAD v4.1: 35 of 1,613,864 alleles (0.0022%); highest among the groups gnomAD compares: Admixed American, 0.017%; 1 homozygote.

Submissions (3):

PreventionGenetics, part of Exact Sciences
Classification: Likely benign for DNAH1-related condition. Last evaluated: 2026-07-20. Review status: criteria provided, single submitter. Criteria: ACMG Guidelines, 2015. Collection method: clinical testing. Allele origin: germline.
Comment: This variant is classified as likely benign based on ACMG/AMP sequence variant interpretation guidelines (Richards et al. 2015 PMID: 25741868, with internal and published modifications).

Labcorp Genetics (formerly Invitae), Labcorp
Classification: Likely benign for Ciliary dyskinesia, primary, 37; Spermatogenic failure 18. Last evaluated: 2025-09-02. Review status: criteria provided, single submitter. Criteria: Invitae Variant Classification Sherloc (09022015). Collection method: clinical testing. Allele origin: germline.

ARUP Laboratories, Molecular Genetics and Genomics, ARUP Laboratories
Classification: Likely benign. Last evaluated: 2023-08-30. Review status: criteria provided, single submitter. Criteria: ARUP Molecular Germline Variant Investigation Process 2024. Collection method: clinical testing. Allele origin: germline.